The following is an entry in ClinVar:

ClinVar aggregate classification (germline): Likely benign. Review status: criteria provided, multiple submitters, no conflicts (2 of 4 stars). 3 submissions from 3 submitters: Likely benign (3). Last evaluated 2026-01-12.

Conditions:
Early-infantile DEE. Also called: Ohtahara syndrome; Early infantile epileptic encephalopathy with suppression bursts; Early infantile epileptic encephalopathy. Identifiers: Orphanet 1934, MedGen C0393706, MONDO:0800491.

Allele frequency attached by ClinVar (database versions not stated): gnomAD exomes 0.00003 and 0.00005; ExAC 0.00005; TOPMed 0.00005; gnomAD 0.00006; ESP Exome Variant Server 0.00008; 1000 Genomes Project 30x 0.00016; 1000 Genomes Project 0.00020.
gnomAD v4.1: 75 of 1,585,164 alleles (0.0047%); highest among the groups gnomAD compares: Non-Finnish European, 0.0062%; no homozygotes.

Submissions (3):

Labcorp Genetics (formerly Invitae), Labcorp
Classification: Likely benign for Early-infantile DEE. Last evaluated: 2026-01-12. Review status: criteria provided, single submitter. Criteria: Invitae Variant Classification Sherloc (09022015). Collection method: clinical testing. Allele origin: germline.

Blueprint Genetics
Classification: Likely benign. Last evaluated: 2024-03-11. Review status: criteria provided, single submitter. Criteria: ACMG Guidelines, 2015. Collection method: clinical testing. Allele origin: germline.

GeneDx
Classification: Likely benign. Last evaluated: 2017-12-01. Review status: criteria provided, single submitter. Criteria: GeneDx Variant Classification (06012015). Collection method: clinical testing. Allele origin: germline. Affected: yes.
Comment: This variant is considered likely benign or benign based on one or more of the following criteria: it is a conservative change, it occurs at a poorly conserved position in the protein, it is predicted to be benign by multiple in silico algorithms, and/or has population frequency not consistent with disease.

NM_001165963.4(SCN1A):c.964+11T>C

Gene: SCN1A (sodium voltage-gated channel alpha subunit 1; minus strand). Cytogenetic location: 2q24.3.
Variant type: single nucleotide variant.
Coding change: c.964+11T>C on transcript NM_001165963.4 (MANE Select); 11 bases into the intron after coding-DNA position 964, T replaced by C.
Molecular consequence: intron variant.
Genome position (GRCh38, 1-based): chr2:166,051,708, A>G on the plus strand (T>C on the coding strand, the complement: SCN1A is on the minus strand). VCF-style: chr2-166051708-A-G. GRCh37 (hg19) VCF-style: chr2-166908218-A-G.
Other names: c.964+11T>C (NM_001353949.2, NM_001353958.2, NM_001353950.2 and 10 more transcripts); c.-1462+11T>C (NM_001353961.2).
Identifiers: ClinVar variation 516612 (VCV000516612.11), dbSNP rs201531417, ClinGen allele CA1943414.